The following is an entry in ClinVar:

NM_000263.4(NAGLU):c.408C>T (p.Cys136=)

Gene: NAGLU (N-acetyl-alpha-glucosaminidase; plus strand). Cytogenetic location: 17q21.2.
Variant type: single nucleotide variant.
Coding change: c.408C>T on transcript NM_000263.4 (MANE Select); coding-DNA position 408, C replaced by T.
Protein change: p.Cys136=; no amino-acid change (cysteine 136 retained).
Molecular consequence: synonymous variant.
Genome position (GRCh38, 1-based): chr17:42,537,422, C>T. VCF-style: chr17-42537422-C-T. GRCh37 (hg19) VCF-style: chr17-40689440-C-T.
Identifiers: ClinVar variation 968089 (VCV000968089.8), dbSNP rs750741772, ClinGen allele CA8576761.

ClinVar aggregate classification (germline): Likely benign. Review status: criteria provided, multiple submitters, no conflicts (2 of 4 stars). 3 submissions from 3 submitters: Likely benign (2). 1 of the submissions does not count toward it. Last evaluated 2025-08-22.

Conditions:
Mucopolysaccharidosis, MPS-III-B (MPS3B). Also called: MPS IIIB (Sanfilippo Syndrome Type B); MUCOPOLYSACCHARIDOSIS, TYPE IIIB; Mucopolysaccharidosis type IIIB (Sanfilippo B); N-ACETYL-ALPHA-D-GLUCOSAMINIDASE DEFICIENCY; NAGLU DEFICIENCY; SANFILIPPO SYNDROME B. Identifiers: Orphanet 79270, MedGen C0086648, MONDO:0009656, OMIM 252920.
Charcot-Marie-Tooth disease axonal type 2V. Also called: CHARCOT-MARIE-TOOTH NEUROPATHY, TYPE 2V; CHARCOT-MARIE-TOOTH DISEASE, AXONAL, AUTOSOMAL DOMINANT, TYPE 2V. Identifiers: Orphanet 447964, MedGen C5569050, MONDO:0014665, OMIM 616491.
NAGLU-related disorder. Also called: NAGLU-related condition.

Allele frequency attached by ClinVar (database versions not stated): gnomAD 0.00001; gnomAD exomes 0.00002; TOPMed 0.00003; ExAC 0.00002.
gnomAD v4.1: 53 of 1,614,060 alleles (0.0033%); highest among the groups gnomAD compares: Non-Finnish European, 0.0044%; no homozygotes.

Submissions (3):

Labcorp Genetics (formerly Invitae), Labcorp
Classification: Likely benign for Charcot-Marie-Tooth disease axonal type 2V; Mucopolysaccharidosis, MPS-III-B. Last evaluated: 2025-08-22. Review status: criteria provided, single submitter. Criteria: Invitae Variant Classification Sherloc (09022015). Collection method: clinical testing. Allele origin: germline.

PreventionGenetics, part of Exact Sciences
Classification: Likely benign for NAGLU-related condition. Last evaluated: 2025-06-24. Review status: criteria provided, single submitter. Criteria: ACMG Guidelines, 2015. Collection method: clinical testing. Allele origin: germline.
Comment: This variant is classified as likely benign based on ACMG/AMP sequence variant interpretation guidelines (Richards et al. 2015 PMID: 25741868, with internal and published modifications).

Natera, Inc.
Classification: Uncertain significance for Mucopolysaccharidosis type IIIB. Last evaluated: 2020-03-11. Review status: no assertion criteria provided. Collection method: clinical testing. Allele origin: germline. Not counted in ClinVar's aggregate classification.